The following is an entry in ClinVar:

ClinVar aggregate classification (germline): Uncertain significance (1 of 4 stars; one submission).

Conditions:
Left ventricular noncompaction 1 (LVNC1). Also called: LEFT VENTRICULAR NONCOMPACTION 1 WITH OR WITHOUT CONGENITAL HEART DEFECTS. Identifiers: Orphanet 54260, MedGen C1858725, MONDO:0011403, OMIM 604169.

gnomAD v4.1: 2 of 1,613,998 alleles (0.00012%); highest among the groups gnomAD compares: Non-Finnish European, 0.00017%; no homozygotes.

Submission:

Labcorp Genetics (formerly Invitae), Labcorp
Classification: Uncertain significance for Left ventricular noncompaction 1. Last evaluated: 2022-09-10. Review status: criteria provided, single submitter. Criteria: Invitae Variant Classification Sherloc (09022015). Collection method: clinical testing. Allele origin: germline.
Comment: In summary, the available evidence is currently insufficient to determine the role of this variant in disease. Therefore, it has been classified as a Variant of Uncertain Significance. Algorithms developed to predict the effect of missense changes on protein structure and function output the following: SIFT: "Tolerated"; PolyPhen-2: "Benign"; Align-GVGD: "Class C0". The alanine amino acid residue is found in multiple mammalian species, which suggests that this missense change does not adversely affect protein function. This variant has not been reported in the literature in individuals affected with DTNA-related conditions. This variant is present in population databases (no rsID available, gnomAD 0.006%). This sequence change replaces proline, which is neutral and non-polar, with alanine, which is neutral and non-polar, at codon 705 of the DTNA protein (p.Pro705Ala).

NM_001386795.1(DTNA):c.2194C>G (p.Pro732Ala)

Gene: DTNA (dystrobrevin alpha; plus strand). Cytogenetic location: 18q12.1.
Variant type: single nucleotide variant.
Coding change: c.2194C>G on transcript NM_001386795.1 (MANE Select); coding-DNA position 2194, C replaced by G.
Protein change: p.Pro732Ala; replaces proline 732 with alanine.
Molecular consequence: missense variant.
Genome position (GRCh38, 1-based): chr18:34,882,100, C>G. VCF-style: chr18-34882100-C-G. GRCh37 (hg19) VCF-style: chr18-32462064-C-G.
Other names: c.1069C>G, p.Pro357Ala (NM_001198944.1); c.1933C>G, p.Pro645Ala (NM_001198940.2, NM_001198938.2, NM_001386753.1 and 5 more transcripts); c.1240C>G, p.Pro414Ala (NM_001198942.1); c.1183C>G, p.Pro395Ala (NM_001198943.1); c.1954C>G, p.Pro652Ala (NM_001198939.2); c.2023C>G, p.Pro675Ala (NM_001386754.1, NM_001386755.1, NM_001386756.1 and 3 more transcripts); c.2020C>G, p.Pro674Ala (NM_001386760.1); c.1942C>G, p.Pro648Ala (NM_001386761.1, NM_032975.4); and 5 more; short protein forms P353A, P357A, P395A, P414A, P644A, P645A, P647A, P648A.
Identifiers: ClinVar variation 1719224 (VCV001719224.5), dbSNP rs1449869874, ClinGen allele CA402168334.